The following is an entry in ClinVar:

NM_138691.3(TMC1):c.863_867delinsCATAATCAATACG (p.Ser288_Phe289delinsThrTer)

Gene: TMC1 (transmembrane channel like 1; plus strand). Cytogenetic location: 9q21.13.
Variant type: Indel.
Coding change: c.863_867delinsCATAATCAATACG on transcript NM_138691.3 (MANE Select); coding-DNA positions 863 to 867, GCTTT replaced by CATAATCAATACG.
Protein change: p.Ser288_Phe289delinsThrTer.
Molecular consequence: nonsense.
Genome position (GRCh38, 1-based): chr9:72,772,534-72,772,538, GCTTT replaced by CATAATCAATACG. VCF-style: chr9-72772534-GCTTT-CATAATCAATACG. GRCh37 (hg19) VCF-style: chr9-75387450-GCTTT-CATAATCAATACG.
Identifiers: ClinVar variation 2751041 (VCV002751041.3), dbSNP rs2489883718, ClinGen allele CA2697557762.

ClinVar aggregate classification (germline): Pathogenic (1 of 4 stars; one submission).

Submission:

Labcorp Genetics (formerly Invitae), Labcorp
Classification: Pathogenic. Last evaluated: 2023-08-07. Review status: criteria provided, single submitter. Criteria: Invitae Variant Classification Sherloc (09022015). Collection method: clinical testing. Allele origin: germline.
Comment: This sequence change creates a premature translational stop signal (p.Ser288Thrfs*2) in the TMC1 gene. It is expected to result in an absent or disrupted protein product. Loss-of-function variants in TMC1 are known to be pathogenic (PMID: 11850618, 22105175). This variant is not present in population databases (gnomAD no frequency). This variant has not been reported in the literature in individuals affected with TMC1-related conditions. For these reasons, this variant has been classified as Pathogenic.

Literature cited by the submitters: PubMed 11850618; PubMed 22105175.